The following is an entry in ClinVar:

NM_002098.6(GUCA1B):c.*618G>A

Gene: GUCA1B (guanylate cyclase activator 1B; minus strand). Cytogenetic location: 6p21.1.
Variant type: single nucleotide variant.
Coding change: c.*618G>A on transcript NM_002098.6 (MANE Select); 618 bases downstream of the stop codon, G replaced by A.
Molecular consequence: 3 prime UTR variant.
Genome position (GRCh38, 1-based): chr6:42,184,197, C>T on the plus strand (G>A on the coding strand, the complement: GUCA1B is on the minus strand). VCF-style: chr6-42184197-C-T. GRCh37 (hg19) VCF-style: chr6-42151935-C-T.
Identifiers: ClinVar variation 356714 (VCV000356714.6), dbSNP rs150308756, ClinGen allele CA10623886.

ClinVar aggregate classification (germline): Benign (1 of 4 stars; one submission).

Conditions:
Retinitis pigmentosa (RP). Identifiers: Orphanet 791, MedGen C0035334, MeSH D012174, MONDO:0019200, OMIM 268000. Inheritance: Autosomal dominant, autosomal recessive and X linked inheritance.

Allele frequency attached by ClinVar (database versions not stated): gnomAD 0.01063 and 0.01146; TOPMed 0.01195; 1000 Genomes Project 0.01318; 1000 Genomes Project 30x 0.01452.
gnomAD v4.1: 1,616 of 152,024 alleles (1.1%); highest among the groups gnomAD compares: African/African-American, 3.6%; 24 homozygotes.

Submission:

Illumina Laboratory Services, Illumina
Classification: Benign for Retinitis pigmentosa. Last evaluated: 2018-01-13. Review status: criteria provided, single submitter. Criteria: ICSL Variant Classification Criteria 13 December 2019. Collection method: clinical testing. Allele origin: germline.
Comment: This variant was observed in the ICSL laboratory as part of a predisposition screen in an ostensibly healthy population. It had not been previously curated by ICSL or reported in the Human Gene Mutation Database (HGMD: prior to June 1st, 2018), and was therefore a candidate for classification through an automated scoring system. Utilizing variant allele frequency, disease prevalence and penetrance estimates, and inheritance mode, an automated score was calculated to assess if this variant is too frequent to cause the disease. Based on the score and internal cut-off values, a variant classified as benign is not then subjected to further curation. The score for this variant resulted in a classification of benign for this disease.